The following is an entry in ClinVar:

NM_001365276.2(TNXB):c.5488A>C (p.Ser1830Arg)

Gene: TNXB (tenascin XB; minus strand). Cytogenetic location: 6p21.33.
Variant type: single nucleotide variant.
Coding change: c.5488A>C on transcript NM_001365276.2 (MANE Select); coding-DNA position 5488, A replaced by C.
Protein change: p.Ser1830Arg; replaces serine 1830 with arginine.
Molecular consequence: missense variant.
Genome position (GRCh38, 1-based): chr6:32,069,652, T>G on the plus strand (A>C on the coding strand, the complement: TNXB is on the minus strand). VCF-style: chr6-32069652-T-G. GRCh37 (hg19) VCF-style: chr6-32037429-T-G.
Other names: p.Ser1830Arg; c.5488A>C, p.Ser1830Arg (NM_019105.8); short protein forms S1830R.
Identifiers: ClinVar variation 985009 (VCV000985009.55), dbSNP rs200519530, ClinGen allele CA3734700.

ClinVar aggregate classification (germline): Conflicting classifications of pathogenicity. Review status: criteria provided, conflicting classifications (1 of 4 stars). 9 submissions from 9 submitters: Uncertain significance (2); Likely benign (6). 1 of the submissions does not count toward it. Last evaluated 2026-06-10.

Conditions:
Ehlers-Danlos syndrome due to tenascin-X deficiency (EDSCLL1). Also called: TNX DEFICIENCY; EHLERS-DANLOS SYNDROME, CLASSIC-LIKE; Ehlers-Danlos syndrome, classic-like, 1; TNXB-Related Classical-Like Ehlers-Danlos Syndrome; EDS DUE TO TNX DEFICIENCY. Identifiers: Orphanet 230839, MedGen C1848029, MONDO:0011670, OMIM 606408.
TNXB-related disorder. Also called: TNXB-related condition.
Cardiovascular phenotype. Identifiers: MedGen CN230736.
Ehlers-Danlos syndrome (EDS). Identifiers: Orphanet 98249, MedGen C0013720, MONDO:0020066.

Allele frequency attached by ClinVar (database versions not stated): 1000 Genomes Project 30x 0.00016; 1000 Genomes Project 0.00020; ExAC 0.00057; gnomAD exomes 0.00076 and 0.00099; gnomAD 0.00084 and 0.00088; TOPMed 0.00084; ESP Exome Variant Server 0.00093.
gnomAD v4.1: 1,563 of 1,612,968 alleles (0.097%); highest among the groups gnomAD compares: Non-Finnish European, 0.11%; 3 homozygotes.

Submissions (9):

Women's Health and Genetics/Laboratory Corporation of America, LabCorp
Classification: Likely benign. Last evaluated: 2026-06-10. Review status: criteria provided, single submitter. Criteria: LabCorp Variant Classification Summary - May 2015. Collection method: clinical testing. Allele origin: germline.
Comment: Variant summary: TNXB c.5488A>C (p.Ser1830Arg) results in a non-conservative amino acid change in the encoded protein sequence. Algorithms developed to predict the effect of missense changes on protein structure and function are either unavailable or do not agree on the potential impact of this missense change. The variant allele was found at a frequency of 0.00076 in 247108 control chromosomes, predominantly at a frequency of 0.0026 within the Ashkenazi Jewish subpopulation in the gnomAD database. The observed variant frequency within Ashkenazi Jewish control individuals in the gnomAD database exceeds the estimated maximal expected allele frequency for disease-causing variants in TNXB. c.5488A>C has been observed in at least one individual affected with vesicoureteral reflux (Tokhmafshan_2020) and two individuals with aortic aneurysm (Norgan Radler_2025). However, these reports do not provide unequivocal conclusions about association of the variant with disease. To our knowledge, no experimental evidence demonstrating an impact on protein function has been reported. The following publications have been ascertained in the context of this evaluation (PMID: 40650310, 31702543). ClinVar contains an entry for this variant (Variation ID: 985009). Based on the evidence outlined above, the variant was classified as likely benign.

Labcorp Genetics (formerly Invitae), Labcorp
Classification: Likely benign. Last evaluated: 2026-01-27. Review status: criteria provided, single submitter. Criteria: Invitae Variant Classification Sherloc (09022015). Collection method: clinical testing. Allele origin: germline.

CeGaT Center for Human Genetics Tuebingen
Classification: Likely benign. Last evaluated: 2026-01-01. Review status: criteria provided, single submitter. Criteria: CeGaT Center For Human Genetics Tuebingen Variant Classification Criteria Version 2. Collection method: clinical testing. Allele origin: germline. Affected: yes. Observed: 3 variant alleles.
Comment: TNXB: BP4, BS2

Mayo Clinic Laboratories, Mayo Clinic
Classification: Likely benign. Last evaluated: 2025-11-22. Review status: criteria provided, single submitter. Criteria: ACMG Guidelines, 2015. Collection method: clinical testing. Allele origin: germline. Observed: 3 variant alleles.
Comment: BS1, BP4

Ambry Genetics
Classification: Likely benign for Cardiovascular phenotype. Last evaluated: 2024-10-03. Review status: criteria provided, single submitter. Criteria: Ambry Variant Classification Scheme 2023. Collection method: clinical testing. Allele origin: germline.

Genome Diagnostics Laboratory, The Hospital for Sick Children
Classification: Uncertain significance for Ehlers-Danlos syndrome. Last evaluated: 2022-03-15. Review status: criteria provided, single submitter. Criteria: ACMG Guidelines, 2015. Collection method: clinical testing. Allele origin: germline.

MGZ Medical Genetics Center
Classification: Uncertain significance for Ehlers-Danlos syndrome due to tenascin-X deficiency. Last evaluated: 2021-12-21. Review status: criteria provided, single submitter. Criteria: ACMG Guidelines, 2015. Collection method: clinical testing. Allele origin: germline. Affected: yes. Observed: 1 variant allele.
Comment: ACMG criteria applied: PM2_SUP, BP4

GeneDx
Classification: Likely benign. Last evaluated: 2021-03-17. Review status: criteria provided, single submitter. Criteria: GeneDx Variant Classification Process June 2021. Collection method: clinical testing. Allele origin: germline. Affected: yes.
Comment: Has not been previously published as pathogenic or benign to our knowledge

PreventionGenetics, part of Exact Sciences
Classification: Likely benign for TNXB-related condition. Last evaluated: 2023-04-05. Review status: no assertion criteria provided. Collection method: clinical testing. Allele origin: germline. Not counted in ClinVar's aggregate classification.
Comment: This variant is classified as likely benign based on ACMG/AMP sequence variant interpretation guidelines (Richards et al. 2015 PMID: 25741868, with internal and published modifications).

Literature cited by the submitters: PubMed 31702543 (cited by Women's Health and Genetics/Laboratory Corporation of America, LabCorp and Mayo Clinic Laboratories, Mayo Clinic); PubMed 40650310 (cited by Women's Health and Genetics/Laboratory Corporation of America, LabCorp); PubMed 36413997 (cited by Ambry Genetics).